The following is an entry in ClinVar:

NM_001130144.3(LTBP3):c.319G>A (p.Gly107Ser)

Gene: LTBP3 (latent transforming growth factor beta binding protein 3; minus strand). Cytogenetic location: 11q13.1.
Variant type: single nucleotide variant.
Coding change: c.319G>A on transcript NM_001130144.3 (MANE Select); coding-DNA position 319, G replaced by A.
Protein change: p.Gly107Ser; replaces glycine 107 with serine.
Molecular consequence: missense variant. On other transcripts: 5 prime UTR variant (1).
Genome position (GRCh38, 1-based): chr11:65,557,641, C>T on the plus strand (G>A on the coding strand, the complement: LTBP3 is on the minus strand). VCF-style: chr11-65557641-C-T. GRCh37 (hg19) VCF-style: chr11-65325112-C-T.
Other names: c.-29G>A (NM_001164266.1); c.319G>A, p.Gly107Ser (NM_021070.4); short protein forms G107S.
Identifiers: ClinVar variation 3868967 (VCV003868967.1).

ClinVar aggregate classification (germline): Uncertain significance (1 of 4 stars; one submission).

Conditions:
Inborn genetic diseases. Identifiers: MedGen C0950123, MeSH D030342.

Submission:

Ambry Genetics
Classification: Uncertain significance for Inborn genetic diseases. Last evaluated: 2024-12-17. Review status: criteria provided, single submitter. Criteria: Ambry Variant Classification Scheme 2023. Collection method: clinical testing. Allele origin: germline.
Comment: The p.G107S variant (also known as c.319G>A), located in coding exon 1 of the LTBP3 gene, results from a G to A substitution at nucleotide position 319. The glycine at codon 107 is replaced by serine, an amino acid with similar properties. This amino acid position is conserved. In addition, the in silico prediction for this alteration is inconclusive. Based on the available evidence, the clinical significance of this variant remains unclear.